The following is an entry in ClinVar:

NM_000077.5(CDKN2A):c.176T>G (p.Val59Gly)

Gene: CDKN2A (cyclin dependent kinase inhibitor 2A; minus strand). Cytogenetic location: 9p21.3.
Variant type: single nucleotide variant.
Coding change: c.176T>G on transcript NM_000077.5; coding-DNA position 176, T replaced by G.
Protein change: p.Val59Gly; replaces valine 59 with glycine.
Molecular consequence: missense variant (on NM_000077.6). On other transcripts: 3 prime UTR variant (1).
Genome position (GRCh38, 1-based): chr9:21,971,183, A>C on the plus strand (T>G on the coding strand, the complement: CDKN2A is on the minus strand). VCF-style: chr9-21971183-A-C. GRCh37 (hg19) VCF-style: chr9-21971182-A-C.
Other names: c.176T>G, p.Val59Gly (NM_000077.6, NM_001195132.2); c.23T>G, p.Val8Gly (NM_001363763.2); c.219T>G, p.Ser73Arg (NM_058195.4); c.*99T>G (NM_058197.5); short protein forms V59G, S73R, V8G.
Identifiers: ClinVar variation 9423 (VCV000009423.57), dbSNP rs104894099, ClinGen allele CA120402.
Genomic context (GRCh38, chr9:21,971,183, plus strand): 5'-GTGAGAGTGGCGGGGTCGGCGCAGTTGGGCTCCGCGCCGTGGAGCAGCAGCAGCTCCGCC[A>C]CTCGGGCGCTGCCCATCATCATGACCTGCCAGAGAGAACAGAATGGTCAGAGCCAGGGTG-3'
Protein context (NP_000068.1, residues 49-69): IQVMMMGSAR[Val59Gly]AELLLLHGAE

ClinVar aggregate classification (germline): Pathogenic/Likely pathogenic. Review status: criteria provided, multiple submitters, no conflicts (2 of 4 stars). 17 submissions from 17 submitters: Pathogenic (6); Likely pathogenic (9). 2 of the submissions do not count toward it. Last evaluated 2026-02-11.

Conditions:
CDKN2A-related disorder. Also called: CDKN2A-related condition.
Melanoma and neural system tumor syndrome. Also called: MELANOMA-ASTROCYTOMA SYNDROME. Identifiers: Orphanet 252206, MedGen C1835042, MONDO:0007967, OMIM 155755.
Melanoma-pancreatic cancer syndrome. Identifiers: Orphanet 404560, MedGen C1838547, MONDO:0011713, OMIM 606719. Disease mechanism: loss of function.
Melanoma, cutaneous malignant, susceptibility to, 2 (CMM2). Also called: CDKN2A-Related Cutaneous Malignant Melanoma; Cutaneous malignant melanoma 2. Identifiers: Orphanet 618, MedGen C1835044, MONDO:0007964, OMIM 155601.
Familial melanoma. Also called: Hereditary melanoma; Hereditary cutaneous melanoma. Identifiers: Orphanet 618, MedGen C1512419, MONDO:0018961.
Hereditary cancer-predisposing syndrome. Also called: Neoplastic Syndromes, Hereditary; Tumor predisposition; Hereditary Cancer Syndrome; Hereditary neoplastic syndrome. Identifiers: Orphanet 140162, MedGen C0027672, MeSH D009386, MONDO:0015356.

Allele frequency attached by ClinVar (database versions not stated): gnomAD exomes below 0.00001; ExAC 0.00001; TOPMed 0.00001.
gnomAD v4.1: 3 of 1,597,186 alleles (0.00019%); highest among the groups gnomAD compares: Middle Eastern, 0.017%; no homozygotes.

Submissions 1 to 8 of 17:

St. Jude Molecular Pathology, St. Jude Children's Research Hospital
Classification: Likely pathogenic for Melanoma-pancreatic cancer syndrome. Last evaluated: 2026-02-11. Review status: criteria provided, single submitter. Criteria: St. Jude Assertion Criteria 2020. Collection method: clinical testing. Allele origin: germline.
Comment: The CDKN2A c.176T>G p.(Val59Gly) missense change has a maximum subpopulation frequency of 0.003% in gnomAD v2.1.1. The in silico tool REVEL predicts a deleterious effect on protein function and functional studies support that this variant may have a moderate impact on protein function (PMID: 12700603). This variant has been reported in several individuals with CDKN2A-associated cancers (PMID: 9425228, 10874641, 12700603, 15860862, 17055252, 28979722, 29506128, 32113160). In summary, this variant meets criteria to be classified as likely pathogenic.

Institute for Genomic Medicine (IGM) Clinical Laboratory, Nationwide Children's Hospital
Classification: Pathogenic for Melanoma and neural system tumor syndrome. Last evaluated: 2025-11-06. Review status: criteria provided, single submitter. Criteria: ACMG Guidelines, 2015. Collection method: clinical testing. Allele origin: germline.
Comment: Well-established functional studies have demonstrated this variant to have a damaging effect on protein function or splicing (ACMG/AMP: PS3_Moderate; PMID:12700603). This variant has been reported at an elevated frequency in affected individuals/in multiple affected individuals in the literature (ACMG/AMP: PS4; PMIDs:12700603, 9425228, 10874641, 14646620, 19571771, 21893440, 22841127, 25780468, 37611275, 29543703, 29506128, 28979722). This variant is absent from or present at an exceedingly low frequency in gnomAD, a large-scale control population database (ACMG/AMP: PM2). This variant has been shown to segregate with disease in multiple affected family members (ACMG/AMP: PP1_Moderate; PMID:12700603).

Myriad Genetics, Inc.
Classification: Likely pathogenic for Melanoma-pancreatic cancer syndrome. Last evaluated: 2025-09-30. Review status: criteria provided, single submitter. Criteria: Myriad Autosomal Dominant, Autosomal Recessive and X-Linked Classification Criteria (2023). Collection method: clinical testing. Allele origin: unknown.
Comment: This variant is considered likely pathogenic. This variant is expected to disrupt protein structure [Myriad internal data]. This variant has been reported in multiple individuals with clinical features of gene-specific disease [PMID: 12700603, 15860862, 22841127, 32113160, 38147532]. This variant has shown to segregate with cancer in one or more families [Myriad internal data, PMID: 12700603].

Ambry Genetics
Classification: Likely pathogenic for Hereditary cancer-predisposing syndrome. Last evaluated: 2025-07-22. Review status: criteria provided, single submitter. Criteria: Ambry Variant Classification Scheme 2023. Collection method: clinical testing. Allele origin: germline.
Comment: The p.V59G variant (also known as c.176T>G), located in coding exon 2 of the CDKN2A gene, results from a T to G substitution at nucleotide position 176. The valine at codon 59 is replaced by glycine, an amino acid with dissimilar properties. Of note, this variant is also known as p.S73R (c.219T>G) in the p14(ARF) isoform. This alteration has been reported in several families with multiple cases of melanoma and/or pancreatic cancer (Puig S et al. J. Clin. Oncol. 2005 May;23:3043-51; Pedace L et al. Cancer Epidemiol. 2011 Dec;35:e116-20; Nagore E et al. Melanoma Res. 2009 Aug;19:211-4; Goldstein AM et al. J. Med. Genet. 2007 Feb;44:99-106; Earl J et a. EBioMedicine 2020 Mar;53:102675; De Simone P et al. Int J Mol Sci, 2020 Dec;21:). One study described this alteration in four families with multiple cases of melanoma and determined that it may be a founder mutation of Mediterranean origin (Yakobson E et al. Eur. J. Hum. Genet. 2003 Apr;11:288-96). Based on the results of protein&ndash;protein interaction and cell proliferation assays, the authors concluded that this alteration likely impairs p16 protein function, but may be only a moderate dysfunction mutation. Notably, there were several unaffected p.V59G carriers identified in these four families. This alteration has also been reported in pancreatic cancer patients (Lowery MA et al. J. Natl. Cancer Inst., 2018 10;110:1067-1074; Earl J et al. EBioMedicine, 2020 Mar;53:102675), including in a patient with a rare tumor type of adenosquamous pancreatic carcinoma (ASPC) (Mart&iacute;nez de Juan F et al. World J Gastrointest Oncol. 2017 Sep;9:390-396). This amino acid position is well conserved in available vertebrate species. In addition, the in silico prediction for this alteration is inconclusive. Based on the majority of available evidence to date, this variant is likely to be pathogenic.

GeneDx
Classification: Likely pathogenic. Last evaluated: 2025-07-18. Review status: criteria provided, single submitter. Criteria: GeneDx Variant Classification Process June 2021. Collection method: clinical testing. Allele origin: germline. Affected: yes.
Comment: Published functional studies demonstrate a damaging effect: reduced binding with CDK4 and CDK6 and a moderate impact on cell proliferation (PMID: 12700603, 19260062); Not observed at significant frequency in large population cohorts (gnomAD); In silico analysis supports that this missense variant has a deleterious effect on protein structure/function; This variant is associated with the following publications: (PMID: 15150307, 29506128, 9425228, 25780468, 19571771, 26681309, 21893440, 19260062, 22841127, 19799798, 10874641, 15860862, 16905682, 12700603, 9823374, 28873162, 28717660, 15146471, 16470311, 17492760, 17055252, 29543703, 31589614, 28979722, 20653773, 32113160, 33322357, 34072659, 37422710, 33237286, 36744932, 37762649)

Genetics Department, Catlab
Classification: Likely pathogenic for Melanoma-pancreatic cancer syndrome. Last evaluated: 2024-09-04. Review status: criteria provided, single submitter. Criteria: ACMG Guidelines, 2015. Collection method: clinical testing. Allele origin: germline. Affected: yes. Observed: 1 variant allele.
Comment: The c.176T>G variant in the CDKN2A gene has been previously found in at least 4 independent families with several affected members where it segregated (PMID:12700603) (PS4_Moderate, PP1) and the variant has an extremely low frequence in gnomAD 4.0 (AF= 1.8e-06) (PM2). Functional studies have shown that the variant alters the function of p16INK4a (PMID: 12700603) (PS3_Moderate). The REVEL value is 0.189 (BP4). With all the available evidence, the variant is classified as likely pathogenic.

Color Diagnostics, LLC DBA Color Health
Classification: Likely pathogenic for Hereditary cancer-predisposing syndrome. Last evaluated: 2024-02-05. Review status: criteria provided, single submitter. Criteria: ACMG Guidelines, 2015. Collection method: clinical testing. Allele origin: germline.
Comment: The CDKN2A locus encodes two different gene products, p16INK4a and p14ARF. This missense variant replaces valine with glycine at codon 59 of the CDKN2A (p16INK4A) protein. Computational prediction is inconclusive regarding the impact of this variant on protein structure and function (internally defined REVEL score threshold 0.5 < inconclusive < 0.7, PMID: 27666373). Functional studies have shown the mutant protein to exhibit defective binding to CDK4 and CDK6, and reduced ability to suppress cell proliferation (PMID: 12700603, 19260062). This variant has been observed in many individuals and families affected with melanoma (PMID: 9036865, 9425228, 10874641, 12700603, 14646620, 19260062, 19571771, 20653773, 21893440, 22841127, 25780468, 26681309, 29543703, 32455486, 35566480, 37611275) and shown to segregate with melanoma in three unrelated families (PMID: 12700603). This variant has been identified in 1/219096 chromosomes in the general population by the Genome Aggregation Database (gnomAD). Based on the available evidence, this variant is classified as Likely Pathogenic.

CeGaT Center for Human Genetics Tuebingen
Classification: Likely pathogenic. Last evaluated: 2024-02-01. Review status: criteria provided, single submitter. Criteria: CeGaT Center For Human Genetics Tuebingen Variant Classification Criteria Version 2. Collection method: clinical testing. Allele origin: germline. Affected: yes. Observed: 3 variant alleles.
Comment: CDKN2A: PP1:Strong, PM2, PS4:Moderate, PS3:Supporting, BP4